The following is an entry in ClinVar:

NM_000079.4(CHRNA1):c.1003-10T>A

Gene: CHRNA1 (cholinergic receptor nicotinic alpha 1 subunit; minus strand). Cytogenetic location: 2q31.1.
Variant type: single nucleotide variant.
Coding change: c.1003-10T>A on transcript NM_000079.4 (MANE Select); 10 bases into the intron before coding-DNA position 1003, T replaced by A.
Molecular consequence: intron variant.
Genome position (GRCh38, 1-based): chr2:174,748,829, A>T on the plus strand (T>A on the coding strand, the complement: CHRNA1 is on the minus strand). VCF-style: chr2-174748829-A-T. GRCh37 (hg19) VCF-style: chr2-175613557-A-T.
Other names: c.1078-10T>A (NM_001039523.3).
Identifiers: ClinVar variation 1053172 (VCV001053172.9), dbSNP rs2105344468, ClinGen allele CA2499215257.
Genomic context (GRCh38, chr2:174,748,829, plus strand): 5'-TCTTTTCATTGTGGAGAAAAACATGATATTTGGGATAGTGTCGATAAAAACCTAACATAA[A>T]AAAGAAATCCATGCATGAGAATTATTGTCCAGGAGGCAAGCATAAAACTCTGTCTTTGAA-3'

ClinVar aggregate classification (germline): Uncertain significance (1 of 4 stars; one submission).

Conditions:
Lethal multiple pterygium syndrome (LMPS). Identifiers: Orphanet 33108, MedGen C1854678, MONDO:0009668, OMIM 253290.

Allele frequency attached by ClinVar (database versions not stated): gnomAD exomes below 0.00001.
gnomAD v4.1: 1 of 1,613,720 alleles (0.000062%); highest among the groups gnomAD compares: Non-Finnish European, 0.000085%; no homozygotes.

Submission:

Labcorp Genetics (formerly Invitae), Labcorp
Classification: Uncertain significance for Lethal multiple pterygium syndrome. Last evaluated: 2020-01-23. Review status: criteria provided, single submitter. Criteria: Invitae Variant Classification Sherloc (09022015). Collection method: clinical testing. Allele origin: germline.
Comment: This sequence change falls in intron 7 of the CHRNA1 gene. It does not directly change the encoded amino acid sequence of the CHRNA1 protein. This variant is not present in population databases (ExAC no frequency). This variant has not been reported in the literature in individuals with CHRNA1-related conditions. Algorithms developed to predict the effect of sequence changes on RNA splicing suggest that this variant may disrupt the consensus splice site, but this prediction has not been confirmed by published transcriptional studies. In summary, the available evidence is currently insufficient to determine the role of this variant in disease. Therefore, it has been classified as a Variant of Uncertain Significance.